The following is an entry in ClinVar:

NM_016245.5(HSD17B11):c.534G>C (p.Ser178=)

Gene: HSD17B11 (hydroxysteroid 17-beta dehydrogenase 11; minus strand). Cytogenetic location: 4q22.1.
Variant type: single nucleotide variant.
Coding change: c.534G>C on transcript NM_016245.5 (MANE Select); coding-DNA position 534, G replaced by C.
Protein change: p.Ser178=; no amino-acid change (serine 178 retained).
Molecular consequence: synonymous variant.
Genome position (GRCh38, 1-based): chr4:87,372,732, C>G on the plus strand (G>C on the coding strand, the complement: HSD17B11 is on the minus strand). VCF-style: chr4-87372732-C-G. GRCh37 (hg19) VCF-style: chr4-88293884-C-G.
Identifiers: ClinVar variation 2654892 (VCV002654892.24), dbSNP rs114331860, ClinGen allele CA440242208.

ClinVar aggregate classification (germline): Likely benign (1 of 4 stars; one submission).

gnomAD v4.1: 3 of 1,611,684 alleles (0.00019%); highest among the groups gnomAD compares: Admixed American, 0.0017%; no homozygotes.

Submission:

CeGaT Center for Human Genetics Tuebingen
Classification: Likely benign. Last evaluated: 2022-10-01. Review status: criteria provided, single submitter. Criteria: CeGaT Center For Human Genetics Tuebingen Variant Classification Criteria Version 2. Collection method: clinical testing. Allele origin: germline. Affected: yes. Observed: 1 variant allele.
Comment: HSD17B11: BP4, BP7